The following is an entry in ClinVar:

ClinVar aggregate classification (germline): Conflicting classifications of pathogenicity. Review status: criteria provided, conflicting classifications (1 of 4 stars). 3 submissions from 3 submitters: Uncertain significance (2); Likely benign (1). Last evaluated 2025-09-12.

Conditions:
Bethlem myopathy 1A. Also called: Bethlem myopathy 1; Bethlem Muscular Dystrophy; MYOPATHY, BENIGN CONGENITAL, WITH CONTRACTURES. Identifiers: Orphanet 610, MedGen CN029274, MONDO:0024530, OMIM 158810.

Allele frequency attached by ClinVar (database versions not stated): gnomAD 0.00001; gnomAD exomes 0.00001; TOPMed 0.00003; ExAC 0.00002.
gnomAD v4.1: 32 of 1,613,816 alleles (0.002%); highest among the groups gnomAD compares: African/African-American, 0.0027%; no homozygotes.

Submissions (3):

Labcorp Genetics (formerly Invitae), Labcorp
Classification: Uncertain significance for Bethlem myopathy 1A. Last evaluated: 2025-09-12. Review status: criteria provided, single submitter. Criteria: Invitae Variant Classification Sherloc (09022015). Collection method: clinical testing. Allele origin: germline.
Comment: This sequence change falls in intron 15 of the COL6A3 gene. It does not directly change the encoded amino acid sequence of the COL6A3 protein. It affects a nucleotide within the consensus splice site. This variant is present in population databases (no rsID available, gnomAD 0.003%). This variant has not been reported in the literature in individuals affected with COL6A3-related conditions. ClinVar contains an entry for this variant (Variation ID: 94953). Variants that disrupt the consensus splice site are a relatively common cause of aberrant splicing (PMID: 17576681, 9536098). Algorithms developed to predict the effect of sequence changes on RNA splicing suggest that this variant is not likely to affect RNA splicing. In summary, the available evidence is currently insufficient to determine the role of this variant in disease. Therefore, it has been classified as a Variant of Uncertain Significance.

GeneDx
Classification: Likely benign. Last evaluated: 2017-04-26. Review status: criteria provided, single submitter. Criteria: GeneDx Variant Classification (06012015). Collection method: clinical testing. Allele origin: germline. Affected: yes.
Comment: This variant is considered likely benign or benign based on one or more of the following criteria: it is a conservative change, it occurs at a poorly conserved position in the protein, it is predicted to be benign by multiple in silico algorithms, and/or has population frequency not consistent with disease.

Eurofins Ntd Llc (ga)
Classification: Uncertain significance. Last evaluated: 2012-11-02. Review status: criteria provided, single submitter. Criteria: EGL Classification Definitions 2015. Collection method: clinical testing. Allele origin: germline. Observed: 1 variant allele, 1 heterozygote.

Literature cited by the submitters: PubMed 17576681 (cited by Labcorp Genetics (formerly Invitae), Labcorp); PubMed 9536098 (cited by Labcorp Genetics (formerly Invitae), Labcorp).

NM_004369.4(COL6A3):c.6156+5G>A

Gene: COL6A3 (collagen type VI alpha 3 chain; minus strand). Cytogenetic location: 2q37.3.
Variant type: single nucleotide variant.
Coding change: c.6156+5G>A on transcript NM_004369.4 (MANE Select); 5 bases into the intron after coding-DNA position 6156, G replaced by A.
Molecular consequence: intron variant.
Genome position (GRCh38, 1-based): chr2:237,361,734, C>T on the plus strand (G>A on the coding strand, the complement: COL6A3 is on the minus strand). VCF-style: chr2-237361734-C-T. GRCh37 (hg19) VCF-style: chr2-238270377-C-T.
Other names: c.4335+5G>A (NM_057166.5); c.5538+5G>A (NM_057167.4).
Identifiers: ClinVar variation 94953 (VCV000094953.8), dbSNP rs112374074, ClinGen allele CA222632.